The following is an entry in ClinVar:

NM_001036.6(RYR3):c.13045G>T (p.Asp4349Tyr)

Gene: RYR3 (ryanodine receptor 3; plus strand). Cytogenetic location: 15q14.
Variant type: single nucleotide variant.
Coding change: c.13045G>T on transcript NM_001036.6 (MANE Select); coding-DNA position 13045, G replaced by T.
Protein change: p.Asp4349Tyr; replaces aspartic acid 4349 with tyrosine.
Molecular consequence: missense variant.
Genome position (GRCh38, 1-based): chr15:33,841,871, G>T. VCF-style: chr15-33841871-G-T. GRCh37 (hg19) VCF-style: chr15-34134072-G-T.
Other names: c.13030G>T, p.Asp4344Tyr (NM_001243996.4); short protein forms D4349Y, D4344Y.
Identifiers: ClinVar variation 578077 (VCV000578077.13), dbSNP rs199964506, ClinGen allele CA7461545.

ClinVar aggregate classification (germline): Uncertain significance. Review status: criteria provided, multiple submitters, no conflicts (2 of 4 stars). 2 submissions from 2 submitters: Uncertain significance (2). Last evaluated 2024-02-17.

Conditions:
Epileptic encephalopathy. Identifiers: MedGen C0543888, HP:0200134.

Allele frequency attached by ClinVar (database versions not stated): gnomAD exomes 0.00006 and 0.00003; ExAC 0.00018; 1000 Genomes Project 0.00060; 1000 Genomes Project 30x 0.00047; ESP Exome Variant Server 0.00042; TOPMed 0.00024; gnomAD 0.00029.
gnomAD v4.1: 96 of 1,592,372 alleles (0.006%); highest among the groups gnomAD compares: African/African-American, 0.12%; no homozygotes.

Submissions (2):

Labcorp Genetics (formerly Invitae), Labcorp
Classification: Uncertain significance for Epileptic encephalopathy. Last evaluated: 2024-02-17. Review status: criteria provided, single submitter. Criteria: Invitae Variant Classification Sherloc (09022015). Collection method: clinical testing. Allele origin: germline.
Comment: This sequence change replaces aspartic acid, which is acidic and polar, with tyrosine, which is neutral and polar, at codon 4349 of the RYR3 protein (p.Asp4349Tyr). This variant is present in population databases (rs199964506, gnomAD 0.1%), and has an allele count higher than expected for a pathogenic variant. This variant has not been reported in the literature in individuals affected with RYR3-related conditions. ClinVar contains an entry for this variant (Variation ID: 578077). Advanced modeling of protein sequence and biophysical properties (such as structural, functional, and spatial information, amino acid conservation, physicochemical variation, residue mobility, and thermodynamic stability) performed at Invitae indicates that this missense variant is not expected to disrupt RYR3 protein function with a negative predictive value of 80%. In summary, the available evidence is currently insufficient to determine the role of this variant in disease. Therefore, it has been classified as a Variant of Uncertain Significance.

Fulgent Genetics
Classification: Uncertain significance for Epileptic encephalopathy. Last evaluated: 2018-10-31. Review status: criteria provided, single submitter. Criteria: ACMG Guidelines, 2015. Collection method: clinical testing. Allele origin: unknown.